The following is an entry in ClinVar:

ClinVar aggregate classification (germline): Uncertain significance (0 of 4 stars; one submission).

Conditions:
CDK9-related disorder. Also called: CDK9-related condition.

Submission:

PreventionGenetics, part of Exact Sciences
Classification: Uncertain significance for CDK9-related condition. Last evaluated: 2024-01-03. Review status: no assertion criteria provided. Collection method: clinical testing. Allele origin: germline.
Comment: The CDK9 c.656T>C variant is predicted to result in the amino acid substitution p.Met219Thr. To our knowledge, this variant has not been reported in the literature or in a large population database, indicating this variant is rare. At this time, the clinical significance of this variant is uncertain due to the absence of conclusive functional and genetic evidence.

NM_001261.4(CDK9):c.656T>C (p.Met219Thr)

Gene: CDK9 (cyclin dependent kinase 9; plus strand). Cytogenetic location: 9q34.11.
Variant type: single nucleotide variant.
Coding change: c.656T>C on transcript NM_001261.4 (MANE Select); coding-DNA position 656, T replaced by C.
Protein change: p.Met219Thr; replaces methionine 219 with threonine.
Molecular consequence: missense variant.
Genome position (GRCh38, 1-based): chr9:127,788,595, T>C. VCF-style: chr9-127788595-T-C. GRCh37 (hg19) VCF-style: chr9-130550874-T-C.
Other names: short protein forms M219T.
Identifiers: ClinVar variation 3048234 (VCV003048234.2), dbSNP rs2539003682, ClinGen allele CA374998263.